The following is an entry in ClinVar:

ClinVar aggregate classification (germline): Pathogenic/Likely pathogenic. Review status: criteria provided, multiple submitters, no conflicts (2 of 4 stars). 2 submissions from 2 submitters: Pathogenic (1); Likely pathogenic (1). Last evaluated 2024-06-26.

Conditions:
Fanconi anemia complementation group I (FANCI). Also called: FANCI-Related Fanconi Anemia. Identifiers: Orphanet 84, MedGen C1836861, MONDO:0012186, OMIM 609053.

Submissions (2):

3billion
Classification: Pathogenic for Fanconi anemia complementation group I. Last evaluated: 2024-06-26. Review status: criteria provided, single submitter. Criteria: ACMG Guidelines, 2015. Collection method: clinical testing. Allele origin: germline. Affected: yes.
Comment: The variant is observed at an extremely low frequency in the gnomAD v4.0.0 dataset (total allele frequency: <0.001%). Predicted Consequence/Location: Canonical splice site: predicted to alter splicing and result in a loss or disruption of normal protein function. Multiple pathogenic loss-of-function variants are reported downstream of the variant. In silico tools predict the variant to alter splicing and produce an abnormal transcript [SpliceAI: 0.99 (spliceogenicity >=0.2, non-spliceogenicity <0.1)]. The variant has been reported to be associated with FANCI related disorder (ClinVar ID: VCV002675598). Therefore, this variant is classified as Pathogenic according to the recommendation of ACMG/AMP guideline.

Baylor Genetics
Classification: Likely pathogenic for Fanconi anemia complementation group I. Last evaluated: 2023-10-05. Review status: criteria provided, single submitter. Criteria: ACMG Guidelines, 2015. Collection method: clinical testing. Allele origin: unknown.

NM_001113378.2(FANCI):c.446del

Gene: FANCI (FA complementation group I; plus strand). Cytogenetic location: 15q26.1.
Variant type: Deletion.
Coding change: c.446del on transcript NM_001113378.2 (MANE Select); coding-DNA position 446, one base deleted (G; older notation c.446delG).
Genome position (GRCh38, 1-based): chr15:89,261,821, G deleted; the last of 2 consecutive G bases (chr15:89,261,820-89,261,821); deleting either gives the same sequence. VCF-style (leftmost placement, unchanged base first): chr15-89261819-AG-A. GRCh37 (hg19) VCF-style: chr15-89805050-AG-A.
Identifiers: ClinVar variation 2675598 (VCV002675598.2), dbSNP rs2505910996, ClinGen allele CA2575827550.